The following is an entry in ClinVar:

ClinVar aggregate classification (germline): Benign. Review status: criteria provided, multiple submitters, no conflicts (2 of 4 stars). 25 submissions from 25 submitters: Benign (16). 9 of the submissions do not count toward it. Last evaluated 2026-03-01.

Conditions:
Breast and/or ovarian cancer. Identifiers: MedGen CN221562.
Hereditary cancer-predisposing syndrome. Also called: Tumor predisposition; Hereditary neoplastic syndrome; Neoplastic Syndromes, Hereditary; Hereditary Cancer Syndrome. Identifiers: Orphanet 140162, MedGen C0027672, MeSH D009386, MONDO:0015356.
Hereditary breast ovarian cancer syndrome. Also called: Hereditary breast and ovarian cancer syndrome (HBOC); Hereditary breast and ovarian cancer; Hereditary breast and ovarian cancer syndrome; Breast and ovarian cancer; Hereditary breast and/or ovarian cancer syndrome; BRCA1- and BRCA2-Associated Hereditary Breast and Ovarian Cancer. Identifiers: Orphanet 145, MedGen C0677776, MeSH D061325, MONDO:0003582. Disease mechanism: loss of function.
Familial cancer of breast. Also called: Hereditary breast cancer; hereditary breast carcinoma; BREAST CANCER, FAMILIAL. Identifiers: Orphanet 227535, MedGen C0346153, MONDO:0016419, OMIM 114480. Disease mechanism: loss of function.
Ataxia-telangiectasia syndrome (AT). Also called: LOUIS-BAR SYNDROME; Ataxia-telangiectasia; Ataxia telangiectasia (A-T); Cerebello-oculocutaneous telangiectasia; Immunodeficiency with ataxia telangiectasia; Ataxia-telangiectasia, complementation group D. Identifiers: Orphanet 100, MedGen C0004135, MONDO:0008840, OMIM 208900.
Malignant tumor of breast. Also called: Malignant breast neoplasm; Cancer breast. Identifiers: MedGen C0006142, MONDO:0007254. Disease mechanism: loss of function.

Allele frequency attached by ClinVar (database versions not stated): gnomAD exomes 0.00253 and 0.00687; ExAC 0.00829; gnomAD 0.02655 and 0.02841; 1000 Genomes Project 0.02796; 1000 Genomes Project 30x 0.02826; TOPMed 0.02943; ESP Exome Variant Server 0.02962.
gnomAD v4.1: 7,901 of 1,613,746 alleles (0.49%); highest among the groups gnomAD compares: African/African-American, 9.2%; 357 homozygotes.

Submissions (25):

CeGaT Center for Human Genetics Tuebingen
Classification: Benign. Last evaluated: 2026-03-01. Review status: criteria provided, single submitter. Criteria: CeGaT Center For Human Genetics Tuebingen Variant Classification Criteria Version 2. Collection method: clinical testing. Allele origin: germline. Affected: yes. Observed: 1 variant allele.
Comment: ATM: BP4, BP7, BS1, BS2

Labcorp Genetics (formerly Invitae), Labcorp
Classification: Benign for Ataxia-telangiectasia syndrome. Last evaluated: 2026-02-04. Review status: criteria provided, single submitter. Criteria: Invitae Variant Classification Sherloc (09022015). Collection method: clinical testing. Allele origin: germline.

Center for Genomic Medicine, Rigshospitalet, Copenhagen University Hospital
Classification: Benign. Last evaluated: 2025-03-04. Review status: criteria provided, single submitter. Criteria: ACMG Guidelines, 2015. Collection method: clinical testing. Allele origin: germline.

Myriad Genetics, Inc.
Classification: Benign for Familial cancer of breast. Last evaluated: 2024-04-22. Review status: criteria provided, single submitter. Criteria: Myriad Autosomal Dominant, Autosomal Recessive and X-Linked Classification Criteria (2023). Collection method: clinical testing. Allele origin: unknown.
Comment: This variant is considered benign. This variant is a silent/synonymous amino acid change and it is not expected to impact splicing.

ARUP Laboratories, Molecular Genetics and Genomics, ARUP Laboratories
Classification: Benign. Last evaluated: 2024-02-05. Review status: criteria provided, single submitter. Criteria: ARUP Molecular Germline Variant Investigation Process 2024. Collection method: clinical testing. Allele origin: germline.

KCCC/NGS Laboratory, Kuwait Cancer Control Center
Classification: Benign for Familial cancer of breast. Last evaluated: 2023-07-07. Review status: criteria provided, single submitter. Criteria: ACMG Guidelines, 2015. Collection method: clinical testing. Allele origin: germline. Affected: yes.

National Health Laboratory Service, Universitas Academic Hospital and University of the Free State
Classification: Benign for Hereditary breast ovarian cancer syndrome. Last evaluated: 2022-04-19. Review status: criteria provided, single submitter. Criteria: ACMG Guidelines, 2015. Collection method: clinical testing. Allele origin: germline. Affected: yes. Observed: 42 variant alleles.

Mayo Clinic Laboratories, Mayo Clinic
Classification: Benign. Last evaluated: 2022-01-23. Review status: criteria provided, single submitter. Criteria: ACMG Guidelines, 2015. Collection method: clinical testing. Allele origin: germline. Observed: 29 variant alleles.

CHEO Genetics Diagnostic Laboratory, Children's Hospital of Eastern Ontario
Classification: Benign for Breast and/or ovarian cancer. Last evaluated: 2021-05-26. Review status: criteria provided, single submitter. Criteria: ACMG Guidelines, 2015. Collection method: clinical testing. Allele origin: germline.

Illumina Laboratory Services, Illumina
Classification: Benign for Ataxia-telangiectasia syndrome. Last evaluated: 2018-01-12. Review status: criteria provided, single submitter. Criteria: ICSL Variant Classification Criteria 13 December 2019. Collection method: clinical testing. Allele origin: germline.
Comment: This variant was observed in the ICSL laboratory as part of a predisposition screen in an ostensibly healthy population. It had not been previously curated by ICSL or reported in the Human Gene Mutation Database (HGMD: prior to June 1st, 2018), and was therefore a candidate for classification through an automated scoring system. Utilizing variant allele frequency, disease prevalence and penetrance estimates, and inheritance mode, an automated score was calculated to assess if this variant is too frequent to cause the disease. Based on the score and internal cut-off values, a variant classified as benign is not then subjected to further curation. The score for this variant resulted in a classification of benign for this disease.

Athena Diagnostics
Classification: Benign. Last evaluated: 2017-11-10. Review status: criteria provided, single submitter. Criteria: Athena Diagnostics Criteria. Collection method: clinical testing. Allele origin: germline.

Color Diagnostics, LLC DBA Color Health
Classification: Benign for Hereditary cancer-predisposing syndrome. Last evaluated: 2015-04-08. Review status: criteria provided, single submitter. Criteria: ACMG Guidelines, 2015. Collection method: clinical testing. Allele origin: germline.

GeneDx
Classification: Benign. Last evaluated: 2015-03-03. Review status: criteria provided, single submitter. Criteria: GeneDx Variant Classification Process June 2021. Collection method: clinical testing. Allele origin: germline. Affected: yes.

Ambry Genetics
Classification: Benign for Hereditary cancer-predisposing syndrome. Last evaluated: 2014-11-19. Review status: criteria provided, single submitter. Criteria: Ambry Variant Classification Scheme 2023. Collection method: clinical testing. Allele origin: germline.

Breakthrough Genomics
Classification: Benign. Review status: criteria provided, single submitter. Criteria: ACMG Guidelines, 2015. Collection method: not provided. Allele origin: germline. Inheritance: Autosomal recessive inheritance. Affected: yes.

PreventionGenetics, part of Exact Sciences
Classification: Benign. Review status: criteria provided, single submitter. Criteria: ACMG Guidelines, 2015. Collection method: clinical testing. Allele origin: germline.

Natera, Inc.
Classification: Benign for Ataxia-telangiectasia. Last evaluated: 2020-09-16. Review status: no assertion criteria provided. Collection method: clinical testing. Allele origin: germline. Not counted in ClinVar's aggregate classification.

True Health Diagnostics
Classification: Likely benign for Hereditary cancer-predisposing syndrome. Last evaluated: 2017-09-11. Review status: no assertion criteria provided. Collection method: clinical testing. Allele origin: germline. Not counted in ClinVar's aggregate classification.

Clinical Genetics Laboratory, Department of Pathology, Netherlands Cancer Institute
Classification: Benign. Review status: no assertion criteria provided. Collection method: clinical testing. Allele origin: germline. Affected: yes. Study: VKGL Data-share Consensus. Not counted in ClinVar's aggregate classification.

Clinical Genetics, Academic Medical Center
Classification: Benign. Review status: no assertion criteria provided. Collection method: clinical testing. Allele origin: germline. Affected: yes. Study: VKGL Data-share Consensus. Not counted in ClinVar's aggregate classification.

Department of Pathology and Laboratory Medicine, Sinai Health System
Classification: Benign for Malignant tumor of breast. Review status: no assertion criteria provided. Collection method: clinical testing. Allele origin: unknown. Affected: yes. Study: The Canadian Open Genetics Repository (COGR). Not counted in ClinVar's aggregate classification.
Comment: The ATM p.Cys219= variant was identified in 1 of 404 proband chromosomes (frequency: 0.0024) from individuals or families with cancer, although the cancer type was unspecified (Petereit 2013). The variant was also identified in 4 of 186 control chromsomes (freq. 0.022) in unaffected individuals (Thorstenson 2001). The variant was also identified in dbSBP (ID: rs2235003) as â€šÃ„ÃºWith other allele,â€šÃ„Ã¹ ClinVar (as likely benign by Genetics Services Laboratory University of Chicago and Illumina and as benign by Ambry Genetics, Invitae, Prevention Genetics, and Color Genomics), Clinvitae, and ATM-LOVD databases. The variant was not identified in Cosmic, MutDB, LOVD 3.0 databases. The variant was identified in control databases in 2436 of 276942 chromosomes at a frequency of 0.008796 increasing the likelihood this could be a low frequency benign variant (Genome Aggregation Consortium Feb 27, 2017). The variant was identified in the African population at a frequency greater than 1% in 2217 (101 homozygous) of 23994 chromosomes (freq: 0.092), and at lower frequencies in the following populations: Other in 22 of 6448 chromosomes (freq. 0.003), Latino in 166 (1 homozygous) of 34366 chromosomes (freq. 0.0048), and European (Non-Finnish) in 25 of 126568 chromosomes (freq. 0.0002), increasing the likelihood this could be a low frequency benign variant. The p.Cys219Cys variant is not expected to have clinical significance because it does not result in a change of amino acid and is not located in a known consensus splice site. In addition, in silico or computational prediction software programs (SpliceSiteFinder, MaxEntScan, NNSPLICE, GeneSplicer, HumanSpliceFinder) do not predict a difference in splicing. In summary, based on the above information this variant meets our laboratory's criteria to be classified as benign.

Genetic Services Laboratory, University of Chicago
Classification: Likely benign for AllHighlyPenetrant. Review status: no assertion criteria provided. Collection method: clinical testing. Allele origin: germline. Inheritance: Autosomal recessive inheritance. Not counted in ClinVar's aggregate classification.
Comment: Likely benign based on allele frequency in 1000 Genomes Project or ESP global frequency and its presence in a patient with a rare or unrelated disease phenotype. NOT Sanger confirmed.

Genome Diagnostics Laboratory, Amsterdam University Medical Center
Classification: Benign. Review status: no assertion criteria provided. Collection method: clinical testing. Allele origin: germline. Affected: yes. Study: VKGL Data-share Consensus. Not counted in ClinVar's aggregate classification.

Joint Genome Diagnostic Labs from Nijmegen and Maastricht, Radboudumc and MUMC+
Classification: Benign. Review status: no assertion criteria provided. Collection method: clinical testing. Allele origin: germline. Affected: yes. Study: VKGL Data-share Consensus. Not counted in ClinVar's aggregate classification.

Laboratory of Diagnostic Genome Analysis, Leiden University Medical Center (LUMC)
Classification: Benign. Review status: no assertion criteria provided. Collection method: clinical testing. Allele origin: germline. Affected: yes. Study: VKGL Data-share Consensus. Not counted in ClinVar's aggregate classification.

NM_000051.4(ATM):c.657T>C (p.Cys219=)

Gene: ATM (ATM serine/threonine kinase; plus strand). Cytogenetic location: 11q22.3.
Variant type: single nucleotide variant.
Coding change: c.657T>C on transcript NM_000051.4 (MANE Select); coding-DNA position 657, T replaced by C.
Protein change: p.Cys219=; no amino-acid change (cysteine 219 retained).
Molecular consequence: synonymous variant.
Genome position (GRCh38, 1-based): chr11:108,244,113, T>C. VCF-style: chr11-108244113-T-C. GRCh37 (hg19) VCF-style: chr11-108114840-T-C.
Other names: NP_000042.3:p.Cys219=; p.Cys219=; c.657T>C, p.Cys219= (NM_001351834.2).
Identifiers: ClinVar variation 128460 (VCV000128460.49), dbSNP rs2235003, ClinGen allele CA151935.